The following is an entry in ClinVar:

ClinVar aggregate classification (germline): Uncertain significance. Review status: criteria provided, multiple submitters, no conflicts (2 of 4 stars). 2 submissions from 2 submitters: Uncertain significance (2). Last evaluated 2023-12-05.

Conditions:
Hereditary cancer-predisposing syndrome. Also called: Hereditary neoplastic syndrome; Tumor predisposition; Hereditary Cancer Syndrome; Neoplastic Syndromes, Hereditary. Identifiers: Orphanet 140162, MedGen C0027672, MeSH D009386, MONDO:0015356.

Submissions (2):

Color Diagnostics, LLC DBA Color Health
Classification: Uncertain significance for Hereditary cancer-predisposing syndrome. Last evaluated: 2023-12-05. Review status: criteria provided, single submitter. Criteria: ACMG Guidelines, 2015. Collection method: clinical testing. Allele origin: germline.
Comment: This missense variant replaces glutamic acid with lysine at codon 247 of the CDH1 protein. To our knowledge, functional studies have not been reported for this variant. This variant has not been reported in individuals affected with CDH1-related disorders in the literature. This variant has not been identified in the general population by the Genome Aggregation Database (gnomAD). The available evidence is insufficient to determine the role of this variant in disease conclusively. Therefore, this variant is classified as a Variant of Uncertain Significance.

Ambry Genetics
Classification: Uncertain significance for Hereditary cancer-predisposing syndrome. Last evaluated: 2018-11-27. Review status: criteria provided, single submitter. Criteria: Ambry Variant Classification Scheme 2023. Collection method: clinical testing. Allele origin: germline.
Comment: The p.E247K variant (also known as c.739G>A), located in coding exon 6 of the CDH1 gene, results from a G to A substitution at nucleotide position 739. The glutamic acid at codon 247 is replaced by lysine, an amino acid with similar properties. This amino acid position is well conserved in available vertebrate species. In addition, the in silico prediction for this alteration is inconclusive. Since supporting evidence is limited at this time, the clinical significance of this alteration remains unclear.

NM_004360.5(CDH1):c.739G>A (p.Glu247Lys)

Gene: CDH1 (cadherin 1; plus strand). Cytogenetic location: 16q22.1.
Variant type: single nucleotide variant.
Coding change: c.739G>A on transcript NM_004360.5 (MANE Select); coding-DNA position 739, G replaced by A.
Protein change: p.Glu247Lys; replaces glutamic acid 247 with lysine.
Molecular consequence: missense variant. On other transcripts: 5 prime UTR variant (2).
Genome position (GRCh38, 1-based): chr16:68,810,248, G>A. VCF-style: chr16-68810248-G-A. GRCh37 (hg19) VCF-style: chr16-68844151-G-A.
Other names: c.739G>A, p.Glu247Lys (NM_001317184.2); c.-877G>A (NM_001317185.2); c.-1081G>A (NM_001317186.2); short protein forms E247K.
Identifiers: ClinVar variation 491556 (VCV000491556.10), dbSNP rs1555515437, ClinGen allele CA396458534.